The following is an entry in ClinVar:

NM_000157.4(GBA1):c.1141T>G (p.Cys381Gly)

Genes: GBA1 (glucosylceramidase beta 1; minus strand), LOC106627981 (GBA recombination region; plus strand). Cytogenetic location: 1q22.
Variant type: single nucleotide variant.
Coding change: c.1141T>G on transcript NM_000157.4 (MANE Select); coding-DNA position 1141, T replaced by G.
Protein change: p.Cys381Gly; replaces cysteine 381 with glycine.
Molecular consequence: missense variant.
Genome position (GRCh38, 1-based): chr1:155,236,328, A>C on the plus strand (T>G on the coding strand, the complement: GBA1 is on the minus strand). VCF-style: chr1-155236328-A-C. GRCh37 (hg19) VCF-style: chr1-155206119-A-C.
Other names: GBA, CYS342GLY; c.1141T>G, p.Cys381Gly (NM_001005741.3, NM_001005742.3); c.880T>G, p.Cys294Gly (NM_001171811.2); c.994T>G, p.Cys332Gly (NM_001171812.2); c.1141T>G (NM_000157.3); short protein forms C381G, C332G, C294G.
Identifiers: ClinVar variation 4319 (VCV000004319.3), dbSNP rs121908306, ClinGen allele CA253094.
Genomic context (GRCh38, chr1:155,236,328, plus strand): 5'-GCATCCCTCGATCCCAGGAGCCTAGCCGCACACTCTGCTCCCAGAACTTGGAGCCCACAC[A>C]GGCCTCTGAGGCAAAGAGCATGGTGTTGGGGAACAGGCGGTGTGTCTCCCCTAGGGTGGC-3'
Protein context (NP_000148.2, residues 371-391): PNTMLFASEA[Cys381Gly]VGSKFWEQSV

ClinVar aggregate classification (germline): Likely pathogenic. Review status: criteria provided, single submitter (1 of 4 stars). 2 submissions from 2 submitters: Likely pathogenic (1). 1 of the submissions does not count toward it. Last evaluated 2025-08-18.

Conditions:
Gaucher disease. Also called: Acute cerebral Gaucher disease; Cerebroside lipidosis syndrome; Gaucher splenomegaly; Sphingolipidosis 1; Glucocerebrosidosis; Glucosylceramidase deficiency. Identifiers: Orphanet 355, MedGen C0017205, MONDO:0018150.
Gaucher disease type II (GD2). Also called: GAUCHER DISEASE, ACUTE NEURONOPATHIC TYPE; GD II; Acute neuronopathic Gaucher's disease; Type 2 Gaucher disease (Acute; Infantile). Identifiers: Orphanet 77260, MedGen C0268250, MONDO:0009266, OMIM 230900.

Submissions (2):

Natera, Inc.
Classification: Likely pathogenic for Gaucher disease. Last evaluated: 2025-08-18. Review status: criteria provided, single submitter. Criteria: Natera Variant Classification Schema (03/2026). Collection method: clinical testing. Allele origin: germline.
Comment: The c.1141T>G variant in GBA1 is a missense variant predicted to cause substitution of cysteine to glycine at amino acid 381. This variant is rare in the general population with a frequency below the threshold expected for the associated phenotype(s). This variant has been observed in one or more individuals affected with the associated recessive disease, as either homozygous or compound heterozygous with a second variant (PMID: 28727984, 2269438). This variant has been identified in one or more affected individuals with a phenotype highly consistent with the associated gene (PMID: 28727984). A different variant at the same position has been determined to be Pathogenic or Likely Pathogenic. Computational prediction algorithms indicate this variant is likely to affect gene or protein function. Given the available evidence, this variant is classified as Likely Pathogenic.

OMIM
Classification: Pathogenic for GAUCHER DISEASE, TYPE II. Last evaluated: 1990-12-15. Review status: no assertion criteria provided. Collection method: literature only. Allele origin: germline. Not counted in ClinVar's aggregate classification.

Literature cited by the submitters: PubMed 28727984 (cited by Natera, Inc.); PubMed 2269438 (cited by Natera, Inc. and OMIM).